The following is an entry in ClinVar:

NM_002693.3(POLG):c.3226G>C (p.Gly1076Arg)

Gene: POLG (DNA polymerase gamma, catalytic subunit; minus strand). Cytogenetic location: 15q26.1.
Variant type: single nucleotide variant.
Coding change: c.3226G>C on transcript NM_002693.3 (MANE Select); coding-DNA position 3226, G replaced by C.
Protein change: p.Gly1076Arg; replaces glycine 1076 with arginine.
Molecular consequence: missense variant.
Genome position (GRCh38, 1-based): chr15:89,318,978, C>G on the plus strand (G>C on the coding strand, the complement: POLG is on the minus strand). VCF-style: chr15-89318978-C-G. GRCh37 (hg19) VCF-style: chr15-89862209-C-G.
Other names: c.3226G>C, p.Gly1076Arg (NM_001126131.2); short protein forms G1076R.
Identifiers: ClinVar variation 2198847 (VCV002198847.1), dbSNP rs1432651664, ClinGen allele CA393750564.
Genomic context (GRCh38, chr15:89,318,978, plus strand): 5'-GGTAGCAAGATACCTCTTCCTGGACAGCCGAGGGCTCCAGGGCTCGGCTGATGCAGCAGC[C>G]CAGCACCGGGGTACGTGGTATGTCAGACGTAGCAATGCTCTCAAGCTTATTGAACATTTC-3'
Protein context (NP_002684.1, residues 1066-1086): TSDIPRTPVL[Gly1076Arg]CCISRALEPS

ClinVar aggregate classification (germline): Uncertain significance (1 of 4 stars; one submission).

Conditions:
Progressive sclerosing poliodystrophy (MTDPS4A). Also called: Mitochondrial DNA depletion syndrome 4A (Alpers type); ALPERS PROGRESSIVE INFANTILE POLIODYSTROPHY; NEURONAL DEGENERATION OF CHILDHOOD WITH LIVER DISEASE, PROGRESSIVE; Alpers Syndrome; ALPERS DIFFUSE DEGENERATION OF CEREBRAL GRAY MATTER WITH HEPATIC CIRRHOSIS; Alpers-Huttenlocher Syndrome. Identifiers: Orphanet 726, MedGen C0205710, MONDO:0008758, OMIM 203700.

Allele frequency attached by ClinVar (database versions not stated): TOPMed below 0.00001; gnomAD 0.00001.
gnomAD v4.1: 1 of 1,614,036 alleles (0.000062%); highest among the groups gnomAD compares: Non-Finnish European, 0.000085%; no homozygotes.

Submission:

Labcorp Genetics (formerly Invitae), Labcorp
Classification: Uncertain significance for Progressive sclerosing poliodystrophy. Last evaluated: 2022-08-16. Review status: criteria provided, single submitter. Criteria: Invitae Variant Classification Sherloc (09022015). Collection method: clinical testing. Allele origin: germline.
Comment: This sequence change replaces glycine, which is neutral and non-polar, with arginine, which is basic and polar, at codon 1076 of the POLG protein (p.Gly1076Arg). This variant is not present in population databases (gnomAD no frequency). This variant has not been reported in the literature in individuals affected with POLG-related conditions. Algorithms developed to predict the effect of missense changes on protein structure and function (SIFT, PolyPhen-2, Align-GVGD) all suggest that this variant is likely to be disruptive. In summary, the available evidence is currently insufficient to determine the role of this variant in disease. Therefore, it has been classified as a Variant of Uncertain Significance.